The following is an entry in ClinVar:

ClinVar aggregate classification (germline): Uncertain significance (1 of 4 stars; one submission).

Submission:

Clinical Genomics Laboratory, Washington University in St. Louis
Classification: Uncertain significance. Last evaluated: 2026-03-18. Review status: criteria provided, single submitter. Criteria: ACMG Guidelines, 2015. Collection method: clinical testing. Allele origin: germline.
Comment: The RASAL3 c.830C>A (p.Ser277*) variant, to our knowledge, has not been reported in the medical literature. This variant is absent from the general population (gnomAD v4.1.0), indicating it is not a common variant. This variant leads to a premature termination codon, which is predicted to lead to nonsense mediated decay. Due to limited information, the clinical significance of this variant is uncertain.

NM_022904.3(RASAL3):c.830C>A (p.Ser277Ter)

Gene: RASAL3 (RAS protein activator like 3; minus strand). Cytogenetic location: 19p13.12.
Variant type: single nucleotide variant.
Coding change: c.830C>A on transcript NM_022904.3 (MANE Select); coding-DNA position 830, C replaced by A.
Protein change: p.Ser277Ter; replaces serine 277 with a stop codon.
Molecular consequence: nonsense. On other transcripts: non-coding transcript variant (2).
Genome position (GRCh38, 1-based): chr19:15,458,386, G>T on the plus strand (C>A on the coding strand, the complement: RASAL3 is on the minus strand). VCF-style: chr19-15458386-G-T. GRCh37 (hg19) VCF-style: chr19-15569197-G-T.
Other names: c.830C>A, p.Ser277Ter (NM_001348027.2, NM_001400377.1, NM_001400379.1); c.812C>A, p.Ser271Ter (NM_001348028.2, NM_001400378.1, NM_001400380.1 and 1 more transcripts); short protein forms S271*, S277*.
Identifiers: ClinVar variation 4879505 (VCV004879505.1).